The following is an entry in ClinVar:

NM_001367721.1(CASK):c.709-3C>T

Gene: CASK (calcium/calmodulin dependent serine protein kinase; minus strand). Cytogenetic location: Xp11.4.
Variant type: single nucleotide variant.
Coding change: c.709-3C>T on transcript NM_001367721.1 (MANE Select); 3 bases into the intron before coding-DNA position 709, C replaced by T.
Molecular consequence: intron variant.
Genome position (GRCh38, 1-based): chrX:41,660,564, G>A on the plus strand (C>T on the coding strand, the complement: CASK is on the minus strand). VCF-style: chrX-41660564-G-A. GRCh37 (hg19) VCF-style: chrX-41519817-G-A.
Other names: c.709-3C>T (NM_001126055.3, NM_001410745.1, NM_001126054.3 and 1 more transcripts).
Identifiers: ClinVar variation 833988 (VCV000833988.11), dbSNP rs2067016459, ClinGen allele CA916083930.
Genomic context (GRCh38, chrX:41,660,564, plus strand): 5'-TGCGACGTACTAGGTCTTTGGCACTTTCAGAGATATGGCTCCACTGCCTTGGATTCATCT[G>A]AGGAGGAGGAAAGGAAAACTACATAGTTACCTTAAATGAGACATTAACATTCACTATTAT-3'

ClinVar aggregate classification (germline): Conflicting classifications of pathogenicity. Review status: criteria provided, conflicting classifications (1 of 4 stars). 2 submissions from 2 submitters: Uncertain significance (1); Likely benign (1). Last evaluated 2026-01-18.

Conditions:
Syndromic X-linked intellectual disability Najm type (MICPCH). Also called: MICPCH SYNDROME; Intellectual developmental disorder and microcephaly with pontine and cerebellar hypoplasia; Mental retardation and microcephaly with pontine and cerebellar hypoplasia; MENTAL RETARDATION, X-LINKED, SYNDROMIC, NAJM TYPE; Intellectual Disability and Microcephaly with Pontine and Cerebellar Hypoplasia (MICPCH); Intellectual Disability and Microcephaly with Pontine and Cerebellar Hypoplasia. Identifiers: Orphanet 163937, MedGen C2677903, MONDO:0010417, OMIM 300749.
Intellectual disability, CASK-related, X-linked. Identifiers: MedGen CN043158.

Allele frequency attached by ClinVar (database versions not stated): gnomAD exomes below 0.00001.
gnomAD v4.1: 9 of 1,203,494 alleles (0.00075%); highest among the groups gnomAD compares: African/African-American, 0.0052%; no homozygotes.

Submissions (2):

Labcorp Genetics (formerly Invitae), Labcorp
Classification: Likely benign for Intellectual disability, CASK-related, X-linked. Last evaluated: 2026-01-18. Review status: criteria provided, single submitter. Criteria: Invitae Variant Classification Sherloc (09022015). Collection method: clinical testing. Allele origin: germline.

Baylor Genetics
Classification: Uncertain significance for Syndromic X-linked intellectual disability Najm type. Last evaluated: 2020-05-05. Review status: criteria provided, single submitter. Criteria: ACMG Guidelines, 2015. Collection method: clinical testing. Allele origin: unknown. Affected: yes.
Comment: This variant was determined to be of uncertain significance according to ACMG Guidelines, 2015 [PMID:25741868].